The following is an entry in ClinVar:

ClinVar aggregate classification (germline): Benign (1 of 4 stars; one submission).

Conditions:
Sialidosis type 2. Also called: NEURAMINIDASE DEFICIENCY; GLYCOPROTEIN NEURAMINIDASE DEFICIENCY; LIPOMUCOPOLYSACCHARIDOSIS; ML I; NEU DEFICIENCY; NEUG DEFICIENCY. Identifiers: Orphanet 812, Orphanet 87876, MedGen C4282398, MONDO:0009738, OMIM 256550.

Allele frequency attached by ClinVar (database versions not stated): gnomAD 0.00020 and 0.00114; TOPMed 0.00036; gnomAD exomes 0.00217; 1000 Genomes Project 0.00699; 1000 Genomes Project 30x 0.00703.
gnomAD v4.1: 244 of 186,712 alleles (0.13%); highest among the groups gnomAD compares: South Asian, 2.3%; 2 homozygotes.

Submission:

Illumina Laboratory Services, Illumina
Classification: Benign for Sialidosis type 2. Last evaluated: 2018-01-12. Review status: criteria provided, single submitter. Criteria: ICSL Variant Classification Criteria 13 December 2019. Collection method: clinical testing. Allele origin: germline.
Comment: This variant was observed in the ICSL laboratory as part of a predisposition screen in an ostensibly healthy population. It had not been previously curated by ICSL or reported in the Human Gene Mutation Database (HGMD: prior to June 1st, 2018), and was therefore a candidate for classification through an automated scoring system. Utilizing variant allele frequency, disease prevalence and penetrance estimates, and inheritance mode, an automated score was calculated to assess if this variant is too frequent to cause the disease. Based on the score and internal cut-off values, a variant classified as benign is not then subjected to further curation. The score for this variant resulted in a classification of benign for this disease.

NM_000434.4(NEU1):c.*581G>A

Gene: NEU1 (neuraminidase 1; minus strand). Cytogenetic location: 6p21.33.
Variant type: single nucleotide variant.
Coding change: c.*581G>A on transcript NM_000434.4 (MANE Select); 581 bases downstream of the stop codon, G replaced by A.
Molecular consequence: 3 prime UTR variant.
Genome position (GRCh38, 1-based): chr6:31,859,138, C>T on the plus strand (G>A on the coding strand, the complement: NEU1 is on the minus strand). VCF-style: chr6-31859138-C-T. GRCh37 (hg19) VCF-style: chr6-31826915-C-T.
Identifiers: ClinVar variation 356224 (VCV000356224.5), dbSNP rs551222239, ClinGen allele CA10621855.
Genomic context (GRCh38, chr6:31,859,138, plus strand): 5'-CCAAAGTCAGATTTTCACAGGCAGTACGCACATCAGGTCTCTCCCCAGAACTCACCCAGG[C>T]TCACAAGGATACATGAGGAAAACAGACACGAAGATGTGCATTGACAGAACCATAGAGACT-3'